The following is an entry in ClinVar:

NM_000030.3(AGXT):c.214A>G (p.Asn72Asp)

Gene: AGXT (alanine--glyoxylate aminotransferase; plus strand). Cytogenetic location: 2q37.3.
Variant type: single nucleotide variant.
Coding change: c.214A>G on transcript NM_000030.3 (MANE Select); coding-DNA position 214, A replaced by G.
Protein change: p.Asn72Asp; replaces asparagine 72 with aspartic acid.
Molecular consequence: missense variant.
Genome position (GRCh38, 1-based): chr2:240,869,218, A>G. VCF-style: chr2-240869218-A-G. GRCh37 (hg19) VCF-style: chr2-241808635-A-G.
Other names: short protein forms N72D.
Identifiers: ClinVar variation 1490938 (VCV001490938.8), dbSNP rs754637713, ClinGen allele CA351313449.

ClinVar aggregate classification (germline): Conflicting classifications of pathogenicity. Review status: criteria provided, conflicting classifications (1 of 4 stars). 3 submissions from 3 submitters: Likely pathogenic (1); Uncertain significance (2). Last evaluated 2026-06-24.

Conditions:
Primary hyperoxaluria, type I (HP1). Also called: OXALOSIS I; Primary hyperoxaluria type 1; GLYCOLIC ACIDURIA; HEPATIC AGT DEFICIENCY. Identifiers: Orphanet 416, Orphanet 93598, MedGen C0268164, MONDO:0009823, OMIM 259900. Disease mechanism: loss of function.

Submissions (3):

Myriad Genetics, Inc.
Classification: Uncertain significance for Primary hyperoxaluria, type I. Last evaluated: 2026-06-24. Review status: criteria provided, single submitter. Criteria: Myriad Autosomal Dominant, Autosomal Recessive and X-Linked Classification Criteria (2023). Collection method: clinical testing. Allele origin: unknown.
Comment: NM_000030.2(AGXT):c.214A>G(N72D) is a missense variant classified as a variant of uncertain significance in the context of primary hyperoxaluria type 1. N72D has not been observed in cases with relevant disease. Relevant functional assessments of this variant are not available in the literature. N72D has not been observed in referenced population frequency databases. In summary, there is insufficient evidence to classify NM_000030.2(AGXT):c.214A>G(N72D) as pathogenic or benign. Please note: this variant was assessed in the context of healthy population screening.

Women's Health and Genetics/Laboratory Corporation of America, LabCorp
Classification: Uncertain significance. Last evaluated: 2025-07-09. Review status: criteria provided, single submitter. Criteria: LabCorp Variant Classification Summary - May 2015. Collection method: clinical testing. Allele origin: germline.
Comment: Variant summary: AGXT c.214A>G (p.Asn72Asp) results in a conservative amino acid change in the encoded protein sequence. Algorithms developed to predict the effect of missense changes on protein structure and function are either unavailable or do not agree on the potential impact of this missense change. The variant was absent in 251360 control chromosomes. The available data on variant occurrences in the general population are insufficient to allow any conclusion about variant significance. To our knowledge, no occurrence of c.214A>G in individuals affected with Primary Hyperoxaluria Type 1 and no experimental evidence demonstrating its impact on protein function have been reported. ClinVar contains an entry for this variant (Variation ID: 1490938). Based on the evidence outlined above, the variant was classified as uncertain significance.

Labcorp Genetics (formerly Invitae), Labcorp
Classification: Likely pathogenic. Last evaluated: 2021-11-26. Review status: criteria provided, single submitter. Criteria: Invitae Variant Classification Sherloc (09022015). Collection method: clinical testing. Allele origin: germline.
Comment: This variant disrupts the p.Asn72 amino acid residue in AGXT. Other variant(s) that disrupt this residue have been determined to be pathogenic (PMID: 27644547, 31215412). This suggests that this residue is clinically significant, and that variants that disrupt this residue are likely to be disease-causing. Advanced modeling of protein sequence and biophysical properties (such as structural, functional, and spatial information, amino acid conservation, physicochemical variation, residue mobility, and thermodynamic stability) performed at Invitae indicates that this missense variant is expected to disrupt AGXT protein function. This variant has not been reported in the literature in individuals affected with AGXT-related conditions. This variant is not present in population databases (gnomAD no frequency). This sequence change replaces asparagine, which is neutral and polar, with aspartic acid, which is acidic and polar, at codon 72 of the AGXT protein (p.Asn72Asp). In summary, the currently available evidence indicates that the variant is pathogenic, but additional data are needed to prove that conclusively. Therefore, this variant has been classified as Likely Pathogenic.

Literature cited by the submitters: PubMed 27644547 (cited by Labcorp Genetics (formerly Invitae), Labcorp); PubMed 31215412 (cited by Labcorp Genetics (formerly Invitae), Labcorp).